The following is an entry in ClinVar:

NM_001040436.3(YARS2):c.1272A>C (p.Arg424=)

Gene: YARS2 (tyrosyl-tRNA synthetase 2; minus strand). Cytogenetic location: 12p11.21.
Variant type: single nucleotide variant.
Coding change: c.1272A>C on transcript NM_001040436.3 (MANE Select); coding-DNA position 1272, A replaced by C.
Protein change: p.Arg424=; no amino-acid change (arginine 424 retained).
Molecular consequence: synonymous variant.
Genome position (GRCh38, 1-based): chr12:32,749,939, T>G on the plus strand (A>C on the coding strand, the complement: YARS2 is on the minus strand). VCF-style: chr12-32749939-T-G. GRCh37 (hg19) VCF-style: chr12-32902873-T-G.
Identifiers: ClinVar variation 2642842 (VCV002642842.27), dbSNP rs566228598, ClinGen allele CA6507949.

ClinVar aggregate classification (germline): Likely benign. Review status: criteria provided, multiple submitters, no conflicts (2 of 4 stars). 2 submissions from 2 submitters: Likely benign (2). Last evaluated 2023-06-20.

Allele frequency attached by ClinVar (database versions not stated): gnomAD exomes 0.00001; ExAC 0.00002.
gnomAD v4.1: 14 of 1,614,046 alleles (0.00087%); highest among the groups gnomAD compares: Non-Finnish European, 0.0012%; no homozygotes.

Submissions (2):

Labcorp Genetics (formerly Invitae), Labcorp
Classification: Likely benign. Last evaluated: 2023-06-20. Review status: criteria provided, single submitter. Criteria: Invitae Variant Classification Sherloc (09022015). Collection method: clinical testing. Allele origin: germline.

CeGaT Center for Human Genetics Tuebingen
Classification: Likely benign. Last evaluated: 2022-08-01. Review status: criteria provided, single submitter. Criteria: CeGaT Center For Human Genetics Tuebingen Variant Classification Criteria Version 2. Collection method: clinical testing. Allele origin: germline. Affected: yes. Observed: 1 variant allele.
Comment: YARS2: BP4, BP7